The following is an entry in ClinVar:

NM_005916.5(MCM7):c.1773G>C (p.Glu591Asp)

Gene: MCM7 (minichromosome maintenance complex component 7; minus strand). Cytogenetic location: 7q22.1.
Variant type: single nucleotide variant.
Coding change: c.1773G>C on transcript NM_005916.5 (MANE Select); coding-DNA position 1773, G replaced by C.
Protein change: p.Glu591Asp; replaces glutamic acid 591 with aspartic acid.
Molecular consequence: missense variant.
Genome position (GRCh38, 1-based): chr7:100,094,248, C>G on the plus strand (G>C on the coding strand, the complement: MCM7 is on the minus strand). VCF-style: chr7-100094248-C-G. GRCh37 (hg19) VCF-style: chr7-99691871-C-G.
Other names: c.1245G>C, p.Glu415Asp (NM_001278595.2, NM_182776.3); short protein forms E415D, E591D.
Identifiers: ClinVar variation 774658 (VCV000774658.5), dbSNP rs149624106, ClinGen allele CA4373498.
Genomic context (GRCh38, chr7:100,094,248, plus strand): 5'-GCGCAGGATAGCCAGCAGGGTCCGGGCAGAAGTATAGGTGGCATCCTTACTAGCCCAAGC[C>G]TCTCGCCTCATCTCCACGTATGCTGCTGTGATGTAGTCAGCCAGAGACTCTGGCACCATG-3'
Protein context (NP_005907.3, residues 581-601): ITAAYVEMRR[Glu591Asp]AWASKDATYT

ClinVar aggregate classification (germline): Likely benign. Review status: criteria provided, single submitter (1 of 4 stars). 2 submissions from 2 submitters: Likely benign (1). 1 of the submissions does not count toward it. Last evaluated 2018-05-11.

Conditions:
MCM7-related disorder. Also called: MCM7-related condition.

Allele frequency attached by ClinVar (database versions not stated): 1000 Genomes Project 30x 0.00156; 1000 Genomes Project 0.00160; gnomAD exomes 0.00199; ExAC 0.00210; gnomAD 0.00212 and 0.00214; TOPMed 0.00234; ESP Exome Variant Server 0.00238.

Submissions (2):

Labcorp Genetics (formerly Invitae), Labcorp
Classification: Likely benign. Last evaluated: 2018-05-11. Review status: criteria provided, single submitter. Criteria: Invitae Variant Classification Sherloc (09022015). Collection method: clinical testing. Allele origin: germline.

PreventionGenetics, part of Exact Sciences
Classification: Likely benign for MCM7-related condition. Last evaluated: 2023-05-25. Review status: no assertion criteria provided. Collection method: clinical testing. Allele origin: germline. Not counted in ClinVar's aggregate classification.
Comment: This variant is classified as likely benign based on ACMG/AMP sequence variant interpretation guidelines (Richards et al. 2015 PMID: 25741868, with internal and published modifications).